The following is an entry in ClinVar:

ClinVar aggregate classification (germline): Likely pathogenic (1 of 4 stars; one submission).

Submission:

Labcorp Genetics (formerly Invitae), Labcorp
Classification: Likely pathogenic. Last evaluated: 2023-08-03. Review status: criteria provided, single submitter. Criteria: Invitae Variant Classification Sherloc (09022015). Collection method: clinical testing. Allele origin: germline.
Comment: Algorithms developed to predict the effect of sequence changes on RNA splicing suggest that this variant may disrupt the consensus splice site. This variant has not been reported in the literature in individuals affected with LIFR-related conditions. This variant is not present in population databases (gnomAD no frequency). This sequence change affects an acceptor splice site in intron 3 of the LIFR gene. It is expected to disrupt RNA splicing. Variants that disrupt the donor or acceptor splice site typically lead to a loss of protein function (PMID: 16199547), and loss-of-function variants in LIFR are known to be pathogenic (PMID: 14740318). In summary, the currently available evidence indicates that the variant is pathogenic, but additional data are needed to prove that conclusively. Therefore, this variant has been classified as Likely Pathogenic.

Literature cited by the submitters: PubMed 16199547; PubMed 14740318.

NM_001127671.2(LIFR):c.258-1G>T

Gene: LIFR (LIF receptor subunit alpha; minus strand). Cytogenetic location: 5p13.1.
Variant type: single nucleotide variant.
Coding change: c.258-1G>T on transcript NM_001127671.2 (MANE Select); the canonical splice acceptor site of the intron before coding-DNA position 258, G replaced by T.
Molecular consequence: splice acceptor variant.
Genome position (GRCh38, 1-based): chr5:38,527,295, C>A on the plus strand (G>T on the coding strand, the complement: LIFR is on the minus strand). VCF-style: chr5-38527295-C-A. GRCh37 (hg19) VCF-style: chr5-38527397-C-A.
Other names: c.258-1G>T (NM_002310.6, NM_001364298.2, NM_001364297.2).
Identifiers: ClinVar variation 2749698 (VCV002749698.3), dbSNP rs2531131693, ClinGen allele CA359615853.